The following is an entry in ClinVar:

NM_001754.5(RUNX1):c.342C>A (p.Ile114=)

Gene: RUNX1 (RUNX family transcription factor 1; minus strand). Cytogenetic location: 21q22.12.
Variant type: single nucleotide variant.
Coding change: c.342C>A on transcript NM_001754.5 (MANE Select); coding-DNA position 342, C replaced by A.
Protein change: p.Ile114=; no amino-acid change (isoleucine 114 retained).
Molecular consequence: synonymous variant.
Genome position (GRCh38, 1-based): chr21:34,886,852, G>T on the plus strand (C>A on the coding strand, the complement: RUNX1 is on the minus strand). VCF-style: chr21-34886852-G-T. GRCh37 (hg19) VCF-style: chr21-36259149-G-T.
Other names: NM_001754.5(RUNX1):c.342C>A; p.Ile114=; c.261C>A, p.Ile87= (NM_001001890.3, NM_001122607.2).
Identifiers: ClinVar variation 415834 (VCV000415834.16), dbSNP rs201747706, ClinGen allele CA10014548.

ClinVar aggregate classification (germline): Benign. Review status: reviewed by expert panel (3 of 4 stars). 5 submissions from 5 submitters: Benign (1). 4 of the submissions do not count toward it. Last evaluated 2024-09-10.

Conditions:
Hereditary thrombocytopenia and hematologic cancer predisposition syndrome. Identifiers: Orphanet 71290, MedGen CN281654, MONDO:0011071.
Inborn genetic diseases. Identifiers: MedGen C0950123, MeSH D030342.
Hereditary thrombocytopenia and hematological cancer predisposition syndrome associated with RUNX1. Also called: PLATELET DISORDER, ASPIRIN-LIKE; Familial thrombocytopenia with propensity to acute myelogenous leukemia; Familial Platelet Disorder with Propensity to Acute Myelogenous Leukemia; RUNX1 Familial Platelet Disorder with Associated Myeloid Malignancies. Identifiers: Orphanet 71290, MedGen C1832388, MeSH C563324, MONDO:0100083, OMIM 601399.
Hereditary cancer-predisposing syndrome. Also called: Tumor predisposition; Hereditary Cancer Syndrome; Hereditary neoplastic syndrome; Neoplastic Syndromes, Hereditary. Identifiers: Orphanet 140162, MedGen C0027672, MeSH D009386, MONDO:0015356.

Allele frequency attached by ClinVar (database versions not stated): gnomAD 0.00001 and 0.00009; gnomAD exomes 0.00007 and 0.00020; TOPMed 0.00011; ExAC 0.00014; 1000 Genomes Project 0.00040; 1000 Genomes Project 30x 0.00047.
gnomAD v4.1: 112 of 1,613,394 alleles (0.0069%); highest among the groups gnomAD compares: East Asian, 0.23%; 1 homozygote.

Submissions (5):

ClinGen Myeloid Malignancy Variant Curation Expert Panel
Classification: Benign for Hereditary thrombocytopenia and hematologic cancer predisposition syndrome. Last evaluated: 2024-09-10. Review status: reviewed by expert panel. Criteria: ClinGen MyeloMalig ACMG Specifications v2. Collection method: curation. Allele origin: germline. Inheritance: Autosomal dominant inheritance.
Comment: NM_001754.5(RUNX1):c.342C>A (p.Ile114=) is a synonymous variant. This variant has a MAF of 0.00256 (0.256%, 47/18362, 47 alleles) in the East Asian gnomAD cohort is ≥ 0.0015 (0.15%) (BA1). Variant observed in homozygous state (1) in gnomAD v2.1.1 and v3.1.2. (BP2). This variant is not a missense variant therefore REVEL score is not applicable and SpliceAI is ≤0.50 (0.00) (BP4). In summary, this variant meets criteria to be classified as benign. ACMG/AMP criteria applied, as specified by the Myeloid Malignancy Variant Curation Expert Panel for RUNX1: BA1, BP2, BP4.

Labcorp Genetics (formerly Invitae), Labcorp
Classification: Benign for Hereditary thrombocytopenia and hematological cancer predisposition syndrome associated with RUNX1. Last evaluated: 2026-01-18. Review status: criteria provided, single submitter. Criteria: Invitae Variant Classification Sherloc (09022015). Collection method: clinical testing. Allele origin: germline. Not counted in ClinVar's aggregate classification.

Ambry Genetics
Classification: Likely benign for Inborn genetic diseases. Last evaluated: 2024-08-21. Review status: criteria provided, single submitter. Criteria: Ambry Variant Classification Scheme 2023. Collection method: clinical testing. Allele origin: germline. Not counted in ClinVar's aggregate classification.

Blueprint Genetics
Classification: Likely benign. Last evaluated: 2024-04-04. Review status: criteria provided, single submitter. Criteria: ACMG Guidelines, 2015. Collection method: clinical testing. Allele origin: germline. Not counted in ClinVar's aggregate classification.

Sema4
Classification: Likely benign for Hereditary cancer-predisposing syndrome. Last evaluated: 2021-07-21. Review status: criteria provided, single submitter. Criteria: Sema4 Curation Guidelines. Collection method: curation. Allele origin: germline. Not counted in ClinVar's aggregate classification.